The following is an entry in ClinVar:

ClinVar aggregate classification (germline): Pathogenic/Likely pathogenic. Review status: criteria provided, multiple submitters, no conflicts (2 of 4 stars). 12 submissions from 12 submitters: Pathogenic (10); Likely pathogenic (1). 1 of the submissions does not count toward it. Last evaluated 2026-02-01.

Conditions:
Pigmentary skin disorders.
SLC29A3-related disorder. Also called: SLC29A3-related condition.
H syndrome. Also called: Asrar Facharzt Haque syndrome; FAISALABAD HISTIOCYTOSIS; HISTIOCYTOSIS AND LYMPHADENOPATHY WITH OR WITHOUT CUTANEOUS, CARDIAC, AND/OR ENDOCRINE FEATURES, JOINT CONTRACTURES, AND/OR DEAFNESS; HYPERPIGMENTATION, CUTANEOUS, WITH HYPERTRICHOSIS, HEPATOSPLENOMEGALY, HEART ANOMALIES, AND HYPOGONADISM WITH OR WITHOUT HEARING LOSS; PIGMENTED HYPERTRICHOSIS WITH INSULIN-DEPENDENT DIABETES MELLITUS; ROSAI-DORFMAN DISEASE, FAMILIAL. Identifiers: Orphanet 168569, MedGen C1864445, MONDO:0011273, OMIM 602782.

Allele frequency attached by ClinVar (database versions not stated): TOPMed 0.00005; ExAC 0.00007; gnomAD exomes 0.00005 and 0.00003; gnomAD 0.00005 and 0.00006.
gnomAD v4.1: 56 of 1,614,048 alleles (0.0035%); highest among the groups gnomAD compares: Admixed American, 0.0067%; no homozygotes.

Submissions (12):

Labcorp Genetics (formerly Invitae), Labcorp
Classification: Pathogenic for H syndrome. Last evaluated: 2026-02-01. Review status: criteria provided, single submitter. Criteria: Invitae Variant Classification Sherloc (09022015). Collection method: clinical testing. Allele origin: germline.
Comment: This sequence change replaces glycine, which is neutral and non-polar, with arginine, which is basic and polar, at codon 437 of the SLC29A3 protein (p.Gly437Arg). This variant is present in population databases (rs121912584, gnomAD 0.007%). This missense change has been observed in individual(s) with H syndrome and pigmented hypertrichosis with insulin dependent diabetes (PHID) (PMID: 18940313, 20619369, 29041934). It has also been observed to segregate with disease in related individuals. ClinVar contains an entry for this variant (Variation ID: 565). Invitae Evidence Modeling of protein sequence and biophysical properties (such as structural, functional, and spatial information, amino acid conservation, physicochemical variation, residue mobility, and thermodynamic stability) indicates that this missense variant is expected to disrupt SLC29A3 protein function with a positive predictive value of 95%. Experimental studies have shown that this missense change affects SLC29A3 function (PMID: 20595384). For these reasons, this variant has been classified as Pathogenic.

GeneDx
Classification: Pathogenic. Last evaluated: 2025-10-28. Review status: criteria provided, single submitter. Criteria: GeneDx Variant Classification Process June 2021. Collection method: clinical testing. Allele origin: germline. Affected: yes.
Comment: Functional study in Xenopus oocytes suggested that G437R retains some transport activity but leads to decreased stability of the mutant protein (PMID: 20595384); however, more studies are needed to confirm the actual effect of this sequence change; In silico analysis supports that this missense variant has a deleterious effect on protein structure/function; This variant is associated with the following publications: (PMID: 24547910, 18940313, 29041934, 39421731, 20619369, 20140240, 32341814, 33029882, 31589614, 35732371, 35775617, 20595384, 40589543)

Genetics Laboratory, Great Ormond Street Hospital NHS Foundation Trust, North Thames Genomic Laboratory Hub
Classification: Pathogenic for Pigmentary skin disorders. Last evaluated: 2025-09-23. Review status: criteria provided, single submitter. Criteria: ACGS Best Practice Guidelines for Variant Classification in Rare Disease 2024 v1.2. Collection method: clinical testing. Allele origin: germline. Affected: yes.
Comment: PS4_moderate, PM2_moderate, PS3_supporting, PP1_strong, PM3_moderate

Department of Molecular Genetics, Istishari Arab Hospital
Classification: Pathogenic for H syndrome. Last evaluated: 2025-08-17. Review status: criteria provided, single submitter. Criteria: ACMG Guidelines, 2015. Collection method: clinical testing. Allele origin: inherited. Inheritance: Autosomal recessive inheritance. Affected: yes.
Comment: The SLC29A3 variant c.1309G>A p.(Gly437Arg) causes an amino acid change from Gly to Arg at position 437 in exon(s) no. 6 (of 6). According to HGMD Professional 2023.3, this variant has previously been described as disease causing for H syndrome (PMID:18940313, 33029882, 29041934). It has been previously detected as disease-causing in four unrelated patients in our internal database with overlapping phenotypes. It is classified as pathogenic based on ACMG/AMP/ClinGen SVI guidelines.

Dasa
Classification: Pathogenic. Last evaluated: 2025-02-04. Review status: criteria provided, single submitter. Criteria: DASA Assertion Criteria. Collection method: clinical testing. Allele origin: germline.
Comment: NM_018344.6(SLC29A3):c.1309G>A (p.Gly437Arg) is a missense variant that results in the substitution of glycine with arginine. Segregation evidence has been reported in affected families. This variant has been observed in affected individuals with related phenotype in a genotype context consistent with recessive disease (PMID: 20140240; PMID: 19336477; PMID: 20619369; PMID: 29041934; PMID: 2061936). Functional evidence supports a deleterious effect on the gene or gene product (PMID: 20140240; PMID: 19336477; PMID: 20619369; PMID: 29041934; PMID: 2061936). This variant has been recurrently observed in individuals with related phenotype (PMID: 20140240; PMID: 19336477; PMID: 20619369; PMID: 29041934; PMID: 2061936). Multiple computational predictions support a deleterious effect on the gene or gene product. The variant is present at low frequency in population datasets. Based on the available data, this variant is classified as pathogenic.

First Genomix Gene Laboratory, Genetic Diagnostics Department
Classification: Pathogenic for H syndrome. Last evaluated: 2025-01-10. Review status: criteria provided, single submitter. Criteria: ACMG Guidelines, 2015. Collection method: clinical testing. Allele origin: germline. Inheritance: Autosomal recessive inheritance. Affected: no. Observed: 1 variant allele.

Blueprint Genetics
Classification: Pathogenic for SLC29A3-related disorders. Last evaluated: 2024-09-30. Review status: criteria provided, single submitter. Criteria: ACMG Guidelines, 2015. Collection method: clinical testing. Allele origin: germline. Affected: yes. Observed: 5 variant alleles.

Genomic Medicine Center of Excellence, King Faisal Specialist Hospital and Research Centre
Classification: Pathogenic for H syndrome. Last evaluated: 2024-03-29. Review status: criteria provided, single submitter. Criteria: ACMG Guidelines, 2015. Collection method: clinical testing. Allele origin: germline.

3billion
Classification: Pathogenic for H syndrome. Last evaluated: 2022-03-22. Review status: criteria provided, single submitter. Criteria: ACMG Guidelines, 2015. Collection method: clinical testing. Allele origin: germline. Affected: yes. Observed: 1 homozygote.
Comment: Same or different nucleotide change resulting in same amino acid change has been previously reported as pathogenic/likely pathogenic with strong evidence (ClinVar ID: VCV000000565). The variant has been reported to co-segregate with the disease in at least 3 similarly affected relatives/individuals in the same family or similarly affected unrelated families (PMID: 20595384). Functional assays showed that the variant had moderate level of impact on gene/protein function (PMID: 20595384). In silico tool predictions suggest damaging effect of the variant on gene or gene product (REVEL: 0.69>=0.6). The variant is observed at an extremely low frequency in the gnomAD v2.1.1 dataset (total allele frequency: 0.0000516). Therefore, this variant is classified as pathogenic according to the recommendation of ACMG/AMP guideline.

Laboratory of Medical Genetics, National & Kapodistrian University of Athens
Classification: Pathogenic for H syndrome. Last evaluated: 2021-10-05. Review status: criteria provided, single submitter. Criteria: ACMG Guidelines, 2015. Collection method: clinical testing. Allele origin: unknown. Affected: yes.
Comment: PS1, PM2, PP3, PP5

Juno Genomics, Hangzhou Juno Genomics, Inc
Classification: Likely pathogenic for H syndrome. Review status: criteria provided, single submitter. Criteria: ACMG Guidelines, 2015. Collection method: clinical testing. Allele origin: germline.
Comment: Absent from controls (or at extremely low frequency if recessive) in Genome Aggregation Database.;Well-established in vitro or in vivo functional studies supportive of a damaging effect on the gene or gene product.;For recessive disorders, detected in trans with a pathogenic variant.;Co-segregation with disease in multiple affected family members.

OMIM
Classification: Pathogenic for HISTIOCYTOSIS-LYMPHADENOPATHY PLUS SYNDROME. Last evaluated: 2010-09-03. Review status: no assertion criteria provided. Collection method: literature only. Allele origin: germline. Not counted in ClinVar's aggregate classification.

Literature cited by the submitters: PubMed 18940313 (cited by 4 submitters); PubMed 20619369 (cited by Labcorp Genetics (formerly Invitae), Labcorp and Dasa); PubMed 29041934 (cited by 3 submitters); PubMed 20595384 (cited by 3 submitters); PubMed 33029882 (cited by Department of Molecular Genetics, Istishari Arab Hospital); PubMed 20140240 (cited by Dasa and OMIM); PubMed 19336477 (cited by Dasa and OMIM); PubMed 2061936 (cited by Dasa); PubMed 17461801 (cited by OMIM); PubMed 16155931 (cited by OMIM); PubMed 16118898 (cited by OMIM).

NM_018344.6(SLC29A3):c.1309G>A (p.Gly437Arg)

Gene: SLC29A3 (solute carrier family 29 member 3; plus strand). Cytogenetic location: 10q22.1.
Variant type: single nucleotide variant.
Coding change: c.1309G>A on transcript NM_018344.6 (MANE Select); coding-DNA position 1309, G replaced by A.
Protein change: p.Gly437Arg; replaces glycine 437 with arginine.
Molecular consequence: missense variant. On other transcripts: 3 prime UTR variant (1), non-coding transcript variant (2).
Genome position (GRCh38, 1-based): chr10:71,362,489, G>A. VCF-style: chr10-71362489-G-A. GRCh37 (hg19) VCF-style: chr10-73122246-G-A.
Other names: p.(Gly437Arg); c.*538G>A (NM_001174098.2); c.1075G>A, p.Gly359Arg (NM_001363518.2); short protein forms G437R, G359R.
Identifiers: ClinVar variation 565 (VCV000000565.23), dbSNP rs121912584, ClinGen allele CA114352.